The following is an entry in ClinVar:

NM_004612.4(TGFBR1):c.730C>T (p.Arg244Cys)

Gene: TGFBR1 (transforming growth factor beta receptor 1; plus strand). Cytogenetic location: 9q22.33.
Variant type: single nucleotide variant.
Coding change: c.730C>T on transcript NM_004612.4 (MANE Select); coding-DNA position 730, C replaced by T.
Protein change: p.Arg244Cys; replaces arginine 244 with cysteine.
Molecular consequence: missense variant.
Genome position (GRCh38, 1-based): chr9:99,138,014, C>T. VCF-style: chr9-99138014-C-T. GRCh37 (hg19) VCF-style: chr9-101900296-C-T.
Other names: c.499C>T, p.Arg167Cys (NM_001130916.3); c.742C>T, p.Arg248Cys (NM_001306210.2); short protein forms R167C, R244C, R248C.
Identifiers: ClinVar variation 1305247 (VCV001305247.5), dbSNP rs2118718530, ClinGen allele CA374229843.

ClinVar aggregate classification (germline): Uncertain significance. Review status: criteria provided, multiple submitters, no conflicts (2 of 4 stars). 3 submissions from 3 submitters: Uncertain significance (3). Last evaluated 2023-04-03.

Conditions:
Loeys-Dietz syndrome (LDS). Identifiers: Orphanet 60030, MedGen C2697932, MONDO:0018954.
Familial thoracic aortic aneurysm and aortic dissection (TAAD). Also called: Thoracic aortic aneurysms and dissections. Identifiers: Orphanet 91387, MedGen C4707243, MONDO:0019625.

Submissions (3):

All of Us Research Program, National Institutes of Health
Classification: Uncertain significance for Loeys-Dietz syndrome. Last evaluated: 2023-04-03. Review status: criteria provided, single submitter. Criteria: ACMG Guidelines, 2015. Collection method: clinical testing. Allele origin: germline. Inheritance: Autosomal dominant inheritance. Observed: 1 variant allele, 1 heterozygote.
Comment: This missense variant replaces arginine with cysteine at codon 244 of the TGFBR1 protein. Computational prediction suggests that this variant may have deleterious impact on protein structure and function (internally defined REVEL score threshold >= 0.7, PMID: 27666373). To our knowledge, functional studies have not been reported for this variant. This variant has not been reported in individuals affected with TGFBR1-related disorders in the literature. This variant has not been identified in the general population by the Genome Aggregation Database (gnomAD). The available evidence is insufficient to determine the role of this variant in disease conclusively. Therefore, this variant is classified as a Variant of Uncertain Significance.

This study involves interpretation of variants in research participants for the purpose of population health screening. Participant phenotype was not available at the time of variant classification. Additional details can be found in publication PMID: 35346344, PMCID: PMC8962531

Color Diagnostics, LLC DBA Color Health
Classification: Uncertain significance for Familial thoracic aortic aneurysm and aortic dissection. Last evaluated: 2022-11-06. Review status: criteria provided, single submitter. Criteria: ACMG Guidelines, 2015. Collection method: clinical testing. Allele origin: germline.
Comment: This missense variant replaces arginine with cysteine at codon 244 of the TGFBR1 protein. Computational prediction suggests that this variant may have deleterious impact on protein structure and function (internally defined REVEL score threshold >= 0.7, PMID: 27666373). To our knowledge, functional studies have not been reported for this variant. This variant has not been reported in individuals affected with TGFBR1-related disorders in the literature. This variant has not been identified in the general population by the Genome Aggregation Database (gnomAD). The available evidence is insufficient to determine the role of this variant in disease conclusively. Therefore, this variant is classified as a Variant of Uncertain Significance.

GeneDx
Classification: Uncertain significance. Last evaluated: 2019-04-18. Review status: criteria provided, single submitter. Criteria: GeneDx Variant Classification Process June 2021. Collection method: clinical testing. Allele origin: germline. Affected: yes.
Comment: Has not been previously published as pathogenic or benign to our knowledge; Not observed in large population cohorts (Lek et al., 2016); In silico analysis, which includes protein predictors and evolutionary conservation, supports a deleterious effect